The following is an entry in ClinVar:

ClinVar aggregate classification (germline): Uncertain significance. Review status: criteria provided, multiple submitters, no conflicts (2 of 4 stars). 3 submissions from 3 submitters: Uncertain significance (3). Last evaluated 2025-07-20.

Conditions:
Familial cancer of breast. Also called: Hereditary breast cancer; BREAST CANCER, FAMILIAL; hereditary breast carcinoma. Identifiers: Orphanet 227535, MedGen C0346153, MONDO:0016419, OMIM 114480. Disease mechanism: loss of function.
Hereditary cancer-predisposing syndrome. Also called: Hereditary neoplastic syndrome; Neoplastic Syndromes, Hereditary; Tumor predisposition; Hereditary Cancer Syndrome. Identifiers: Orphanet 140162, MedGen C0027672, MeSH D009386, MONDO:0015356.

Allele frequency attached by ClinVar (database versions not stated): TOPMed 0.00001; gnomAD 0.00002.
gnomAD v4.1: 4 of 1,614,006 alleles (0.00025%); highest among the groups gnomAD compares: African/African-American, 0.004%; no homozygotes.

Submissions (3):

Ambry Genetics
Classification: Uncertain significance for Hereditary cancer-predisposing syndrome. Last evaluated: 2025-07-20. Review status: criteria provided, single submitter. Criteria: Ambry Variant Classification Scheme 2023. Collection method: clinical testing. Allele origin: germline.
Comment: The p.S410C variant (also known as c.1228A>T), located in coding exon 4 of the BARD1 gene, results from an A to T substitution at nucleotide position 1228. The serine at codon 410 is replaced by cysteine, an amino acid with dissimilar properties. This amino acid position is well conserved in available vertebrate species. In addition, the in silico prediction for this alteration is inconclusive. Since supporting evidence is limited at this time, the clinical significance of this alteration remains unclear.

Labcorp Genetics (formerly Invitae), Labcorp
Classification: Uncertain significance for Familial cancer of breast. Last evaluated: 2024-04-10. Review status: criteria provided, single submitter. Criteria: Invitae Variant Classification Sherloc (09022015). Collection method: clinical testing. Allele origin: germline.
Comment: This sequence change replaces serine, which is neutral and polar, with cysteine, which is neutral and slightly polar, at codon 410 of the BARD1 protein (p.Ser410Cys). This variant is not present in population databases (gnomAD no frequency). This variant has not been reported in the literature in individuals affected with BARD1-related conditions. ClinVar contains an entry for this variant (Variation ID: 421627). An algorithm developed to predict the effect of missense changes on protein structure and function (PolyPhen-2) suggests that this variant is likely to be tolerated. In summary, the available evidence is currently insufficient to determine the role of this variant in disease. Therefore, it has been classified as a Variant of Uncertain Significance.

GeneDx
Classification: Uncertain significance. Last evaluated: 2016-07-08. Review status: criteria provided, single submitter. Criteria: GeneDx Variant Classification (06012015). Collection method: clinical testing. Allele origin: germline. Affected: yes.
Comment: This variant is denoted BARD1 c.1228A>T at the cDNA level, p.Ser410Cys (S410C) at the protein level, and results in the change of a Serine to a Cysteine (AGT>TGT). This variant has not, to our knowledge, been published in the literature as pathogenic or benign. BARD1 Ser410Cys was not observed in approximately 6,500 individuals of European and African American ancestry in the NHLBI Exome Sequencing Project, suggesting it is not a common benign variant in these populations. Since Serine and Cysteine differ in polarity, charge, size or other properties, this is considered a non-conservative amino acid substitution. BARD1 Ser410Cys occurs at a position where amino acids with properties similar to Serine are tolerated across species and is not located in a known functional domain (UniProt). In silico analyses are inconsistent regarding the effect this variant may have on protein structure and function. Based on currently available evidence, it is unclear whether BARD1 Ser410Cys is a pathogenic or benign variant. We consider it to be a variant of uncertain significance.

NM_000465.4(BARD1):c.1228A>T (p.Ser410Cys)

Gene: BARD1 (BRCA1 associated RING domain 1; minus strand). Cytogenetic location: 2q35.
Variant type: single nucleotide variant.
Coding change: c.1228A>T on transcript NM_000465.4 (MANE Select); coding-DNA position 1228, A replaced by T.
Protein change: p.Ser410Cys; replaces serine 410 with cysteine.
Molecular consequence: missense variant. On other transcripts: non-coding transcript variant (2), intron variant (3).
Genome position (GRCh38, 1-based): chr2:214,780,646, T>A on the plus strand (A>T on the coding strand, the complement: BARD1 is on the minus strand). VCF-style: chr2-214780646-T-A. GRCh37 (hg19) VCF-style: chr2-215645370-T-A.
Other names: c.1171A>T, p.Ser391Cys (NM_001282543.2); c.159-28091A>T (NM_001282548.2); c.215+16415A>T (NM_001282545.2); c.364+11651A>T (NM_001282549.2); short protein forms S410C, S391C.
Identifiers: ClinVar variation 421627 (VCV000421627.19), dbSNP rs1064795260, ClinGen allele CA16617444.
Genomic context (GRCh38, chr2:214,780,646, plus strand): 5'-TCTCTCCTCTATGATTTCTTTTCACAGCCATATTGGGCAACAGCTTCATTGCTGAGGGAC[T>A]AGACATCACTCGCCTGTAACTTGAACTACTTAATGTAGAAGGTGGTGTACCTGGTGAAAG-3'
Protein context (NP_000456.2, residues 400-420): SSSSYRRVMS[Ser410Cys]PSAMKLLPNM